The following is an entry in ClinVar:

NM_000257.4(MYH7):c.5257_5265dup (p.Ala1755_Lys1756insGluLysAla)

Genes: MYH7 (myosin heavy chain 7; minus strand), LOC126861897 (BRD4-independent group 4 enhancer GRCh37_chr14:23884455-23885654; plus strand). Cytogenetic location: 14q11.2.
Variant type: Duplication.
Coding change: c.5257_5265dup on transcript NM_000257.4 (MANE Select); coding-DNA positions 5257 to 5265, 9 bases duplicated (GAGAAGGCC; older notation c.5257_5265dupGAGAAGGCC).
Protein change: p.Ala1755_Lys1756insGluLysAla.
Molecular consequence: inframe insertion.
Genome position (GRCh38, 1-based): chr14:23,415,399-23,415,407, GGCCTTCTC duplicated on the plus strand (GAGAAGGCC on the coding strand, the reverse complement: MYH7 is on the minus strand). VCF-style (leftmost placement, unchanged base first): chr14-23415398-T-TGGCCTTCTC. GRCh37 (hg19) VCF-style: chr14-23884607-T-TGGCCTTCTC.
Other names: c.5257_5265dup, p.Ala1755_Lys1756insGluLysAla (NM_001407004.1).
Identifiers: ClinVar variation 2913085 (VCV002913085.3), dbSNP rs2502240701, ClinGen allele CA2739277765.

ClinVar aggregate classification (germline): Uncertain significance (1 of 4 stars; one submission).

Conditions:
Hypertrophic cardiomyopathy. Also called: HYPERTROPHIC MYOCARDIOPATHY. Identifiers: Orphanet 217569, MedGen C0007194, MeSH D002312, MONDO:0005045, HP:0001639.

Submission:

Labcorp Genetics (formerly Invitae), Labcorp
Classification: Uncertain significance for Hypertrophic cardiomyopathy. Last evaluated: 2024-01-12. Review status: criteria provided, single submitter. Criteria: Invitae Variant Classification Sherloc (09022015). Collection method: clinical testing. Allele origin: germline.
Comment: This variant, c.5257_5265dup, results in the insertion of 3 amino acid(s) of the MYH7 protein (p.Glu1753_Ala1755dup), but otherwise preserves the integrity of the reading frame. This variant is not present in population databases (gnomAD no frequency). This variant has not been reported in the literature in individuals affected with MYH7-related conditions. Experimental studies and prediction algorithms are not available or were not evaluated, and the functional significance of this variant is currently unknown. In summary, the available evidence is currently insufficient to determine the role of this variant in disease. Therefore, it has been classified as a Variant of Uncertain Significance.